The following is an entry in ClinVar:

NM_002693.3(POLG):c.3666G>A (p.Gln1222=)

Genes: FANCI (FA complementation group I; plus strand), POLG (DNA polymerase gamma, catalytic subunit; minus strand). Cytogenetic location: 15q26.1.
Variant type: single nucleotide variant.
Coding change: c.3666G>A on transcript NM_002693.3 (MANE Select); coding-DNA position 3666, G replaced by A.
Protein change: p.Gln1222=; no amino-acid change (glutamine 1222 retained).
Molecular consequence: synonymous variant. On other transcripts: 3 prime UTR variant (4).
Genome position (GRCh38, 1-based): chr15:89,316,805, C>T on the plus strand (G>A on the coding strand, the complement: POLG is on the minus strand). VCF-style: chr15-89316805-C-T. GRCh37 (hg19) VCF-style: chr15-89860036-C-T.
Other names: c.3666G>A, p.Gln1222= (NM_001126131.2); c.*346C>T (NM_001113378.2, NM_001376910.1, NM_001376911.1 and 1 more transcripts).
Identifiers: ClinVar variation 2749286 (VCV002749286.5), dbSNP rs770992948, ClinGen allele CA7724041.

ClinVar aggregate classification (germline): Likely benign. Review status: criteria provided, single submitter (1 of 4 stars). 2 submissions from 2 submitters: Likely benign (1). 1 of the submissions does not count toward it. Last evaluated 2023-05-15.

Conditions:
POLG-related disorder. Also called: POLG-Related Spectrum Disorders; POLG-related condition; POLG-Related Disorders. Identifiers: MedGen C4763519.
Progressive sclerosing poliodystrophy (MTDPS4A). Also called: ALPERS PROGRESSIVE INFANTILE POLIODYSTROPHY; NEURONAL DEGENERATION OF CHILDHOOD WITH LIVER DISEASE, PROGRESSIVE; Alpers Syndrome; ALPERS DIFFUSE DEGENERATION OF CEREBRAL GRAY MATTER WITH HEPATIC CIRRHOSIS; Alpers-Huttenlocher Syndrome; Mitochondrial DNA depletion syndrome 4A (Alpers type). Identifiers: Orphanet 726, MedGen C0205710, MONDO:0008758, OMIM 203700.

Allele frequency attached by ClinVar (database versions not stated): ExAC 0.00001.
gnomAD v4.1: 7 of 1,613,802 alleles (0.00043%); highest among the groups gnomAD compares: Admixed American, 0.0017%; no homozygotes.

Submissions (2):

Labcorp Genetics (formerly Invitae), Labcorp
Classification: Likely benign for Progressive sclerosing poliodystrophy. Last evaluated: 2023-05-15. Review status: criteria provided, single submitter. Criteria: Invitae Variant Classification Sherloc (09022015). Collection method: clinical testing. Allele origin: germline.

PreventionGenetics, part of Exact Sciences
Classification: Likely benign for POLG-related condition. Last evaluated: 2021-06-02. Review status: no assertion criteria provided. Collection method: clinical testing. Allele origin: germline. Not counted in ClinVar's aggregate classification.
Comment: This variant is classified as likely benign based on ACMG/AMP sequence variant interpretation guidelines (Richards et al. 2015 PMID: 25741868, with internal and published modifications).